The following is an entry in ClinVar:

ClinVar aggregate classification (germline): Likely pathogenic (1 of 4 stars; one submission).

Conditions:
Carnitine palmitoyltransferase II deficiency. Also called: Carnitine Palmitoyltransferase 2 Deficiency. Identifiers: Orphanet 157, MedGen C0342790, MONDO:0015515.

Submission:

Myriad Genetics, Inc.
Classification: Likely pathogenic for Carnitine palmitoyltransferase II deficiency. Last evaluated: 2022-02-27. Review status: criteria provided, single submitter. Criteria: Myriad Autosomal Dominant, Autosomal Recessive and X-Linked Classification Criteria (2023). Collection method: clinical testing. Allele origin: unknown.
Comment: NM_000098.2(CPT2):c.187A>T(R63*) is expected to be pathogenic in the context of carnitine palmitoyltransferase II deficiency. This variant is predicted to lead to an abnormal or absent protein product due to the creation of a premature termination codon in CPT2, a gene where loss-of-function variants are known to be pathogenic. Please note: this variant was assessed in the context of healthy population screening.

NM_000098.3(CPT2):c.187A>T (p.Arg63Ter)

Gene: CPT2 (carnitine palmitoyltransferase 2; plus strand). Cytogenetic location: 1p32.3.
Variant type: single nucleotide variant.
Coding change: c.187A>T on transcript NM_000098.3 (MANE Select); coding-DNA position 187, A replaced by T.
Protein change: p.Arg63Ter; replaces arginine 63 with a stop codon.
Molecular consequence: nonsense.
Genome position (GRCh38, 1-based): chr1:53,200,753, A>T. VCF-style: chr1-53200753-A-T. GRCh37 (hg19) VCF-style: chr1-53666425-A-T.
Other names: c.187A>T, p.Arg63Ter (NM_001330589.2); short protein forms R63*.
Identifiers: ClinVar variation 1724784 (VCV001724784.3), dbSNP rs2525566830, ClinGen allele CA340389122.